The following is an entry in ClinVar:

ClinVar aggregate classification (germline): Uncertain significance (1 of 4 stars; one submission).

Conditions:
Wilson disease (WND). Also called: Wilson's disease. Identifiers: Orphanet 905, MedGen C0019202, MONDO:0010200, OMIM 277900. Disease mechanism: loss of function.

Submission:

Dr. Moinak Lab, Sanjay Gandhi Postgraduate Institute of Medical Sciences
Classification: Uncertain significance for Wilson disease. Last evaluated: 2024-08-12. Review status: criteria provided, single submitter. Criteria: ACMG Guidelines, 2015. Collection method: clinical testing. Allele origin: germline. Inheritance: Autosomal recessive inheritance. Affected: yes. Observed: 1 heterozygote.
Comment: ATP7B:c.3626T>C is a novel variant involving a single nucleotide substitution from T to C in exon 17 of the ATP7B gene. This results in a non-synonymous change at the protein level, where the amino acid Leucine is replaced by Proline at codon 1209 (p.Leu1209Pro)

Literature cited by the submitters: PubMed 20301685.

NM_000053.4(ATP7B):c.3626T>C (p.Leu1209Pro)

Gene: ATP7B (ATPase copper transporting beta; minus strand). Cytogenetic location: 13q14.3.
Variant type: single nucleotide variant.
Coding change: c.3626T>C on transcript NM_000053.4 (MANE Select); coding-DNA position 3626, T replaced by C.
Protein change: p.Leu1209Pro; replaces leucine 1209 with proline.
Molecular consequence: missense variant.
Genome position (GRCh38, 1-based): chr13:51,939,124, A>G on the plus strand (T>C on the coding strand, the complement: ATP7B is on the minus strand). VCF-style: chr13-51939124-A-G. GRCh37 (hg19) VCF-style: chr13-52513260-A-G.
Other names: c.3005T>C, p.Leu1002Pro (NM_001005918.3); c.3293T>C, p.Leu1098Pro (NM_001243182.2); c.3392T>C, p.Leu1131Pro (NM_001330578.2, NM_001406527.1, NM_001406528.1); c.3374T>C, p.Leu1125Pro (NM_001330579.2, NM_001406531.1, NM_001406532.1); c.3626T>C, p.Leu1209Pro (NM_001406511.1, NM_001406512.1, NM_001406526.1); c.3620T>C, p.Leu1207Pro (NM_001406513.1); c.3593T>C, p.Leu1198Pro (NM_001406514.1); c.3572T>C, p.Leu1191Pro (NM_001406515.1, NM_001406516.1); and 20 more; short protein forms L1002P, L1015P, L1045P, L1047P, L1060P, L1066P, L1083P, L1096P.
Identifiers: ClinVar variation 3893679 (VCV003893679.1).